The following is an entry in ClinVar:

NM_000548.5(TSC2):c.3352C>T (p.Gln1118Ter)

Gene: TSC2 (TSC complex subunit 2; plus strand). Cytogenetic location: 16p13.3.
Variant type: single nucleotide variant.
Coding change: c.3352C>T on transcript NM_000548.5 (MANE Select); coding-DNA position 3352, C replaced by T.
Protein change: p.Gln1118Ter; replaces glutamine 1118 with a stop codon.
Molecular consequence: nonsense.
Genome position (GRCh38, 1-based): chr16:2,079,624, C>T. VCF-style: chr16-2079624-C-T. GRCh37 (hg19) VCF-style: chr16-2129625-C-T.
Other names: c.3220C>T, p.Gln1074Ter (NM_001077183.3, NM_001370404.1); c.3352C>T, p.Gln1118Ter (NM_001114382.3); c.3112C>T, p.Gln1038Ter (NM_001318827.2); c.3076C>T, p.Gln1026Ter (NM_001318829.2); c.2620C>T, p.Gln874Ter (NM_001318831.2); c.3253C>T, p.Gln1085Ter (NM_001318832.2); c.3223C>T, p.Gln1075Ter (NM_001363528.2, NM_001370405.1, NM_021055.3); short protein forms Q1118*, Q1038*, Q1074*, Q1075*, Q1085*, Q874*, Q1026*.
Identifiers: ClinVar variation 49797 (VCV000049797.7), dbSNP rs45496291, ClinGen allele CA018941.

ClinVar aggregate classification (germline): Pathogenic. Review status: criteria provided, multiple submitters, no conflicts (2 of 4 stars). 5 submissions from 5 submitters: Pathogenic (3). 2 of the submissions do not count toward it. Last evaluated 2026-08-17.

Conditions:
Hereditary cancer-predisposing syndrome. Also called: Neoplastic Syndromes, Hereditary; Hereditary neoplastic syndrome; Hereditary Cancer Syndrome; Tumor predisposition. Identifiers: Orphanet 140162, MedGen C0027672, MeSH D009386, MONDO:0015356.
Tuberous sclerosis syndrome (TSC). Also called: Tuberous Sclerosis Complex; Tuberous sclerosis. Identifiers: Orphanet 805, MedGen C0041341, MONDO:0001734.
Tuberous sclerosis 2 (TSC2). Identifiers: Orphanet 805, MedGen C1860707, MONDO:0013199, OMIM 613254.

Submissions (5):

Ambry Genetics
Classification: Pathogenic for Hereditary cancer-predisposing syndrome. Last evaluated: 2026-08-17. Review status: criteria provided, single submitter. Criteria: Ambry Variant Classification Scheme 2023. Collection method: clinical testing. Allele origin: germline.
Comment: The p.Q1118* pathogenic mutation (also known as c.3352C>T), located in coding exon 28 of the TSC2 gene, results from a C to T substitution at nucleotide position 3352. This changes the amino acid from a glutamine to a stop codon within coding exon 28. This variant was reported in individual(s) with features consistent with tuberous sclerosis complex (Og&oacute;rek B et al. Genet Med, 2020 Sep;22:1489-1497). This variant is considered to be rare based on population cohorts in the Genome Aggregation Database (gnomAD). This alteration is expected to result in loss of function by premature protein truncation or nonsense-mediated mRNA decay. As such, this alteration is interpreted as a disease-causing mutation.

Labcorp Genetics (formerly Invitae), Labcorp
Classification: Pathogenic for Tuberous sclerosis 2. Last evaluated: 2025-03-16. Review status: criteria provided, single submitter. Criteria: Invitae Variant Classification Sherloc (09022015). Collection method: clinical testing. Allele origin: germline.
Comment: This sequence change creates a premature translational stop signal (p.Gln1118*) in the TSC2 gene. It is expected to result in an absent or disrupted protein product. Loss-of-function variants in TSC2 are known to be pathogenic (PMID: 10205261, 17304050). This variant is not present in population databases (gnomAD no frequency). This premature translational stop signal has been observed in individual(s) with tuberous sclerosis complex (PMID: 32461669). ClinVar contains an entry for this variant (Variation ID: 49797). Algorithms developed to predict the effect of sequence changes on RNA splicing suggest that this variant may disrupt the consensus splice site. For these reasons, this variant has been classified as Pathogenic.

Laboratory of Genetics, Children's Clinical University Hospital Latvia
Classification: Pathogenic. Last evaluated: 2025-02-16. Review status: criteria provided, single submitter. Criteria: ACMG Guidelines, 2015. Collection method: clinical testing. Allele origin: germline. Affected: yes.

Bioscientia Institut fuer Medizinische Diagnostik GmbH, Sonic Healthcare
Classification: Pathogenic for Tuberous sclerosis 2. Last evaluated: 2020-02-13. Review status: no assertion criteria provided. Collection method: clinical testing. Allele origin: germline. Affected: yes. Not counted in ClinVar's aggregate classification.

Tuberous sclerosis database (TSC2)
No classification provided. Condition: TSC. Review status: no classification provided. Criteria: Tuberous Sclerosis Database Assertion Criteria 2015. Collection method: curation. Allele origin: germline. Affected: yes. Not counted in ClinVar's aggregate classification.

Literature cited by the submitters: PubMed 32461669 (cited by Ambry Genetics and Labcorp Genetics (formerly Invitae), Labcorp); PubMed 10205261 (cited by Labcorp Genetics (formerly Invitae), Labcorp); PubMed 17304050 (cited by Labcorp Genetics (formerly Invitae), Labcorp).